The following is an entry in ClinVar:

ClinVar aggregate classification (germline): Likely benign. Review status: criteria provided, multiple submitters, no conflicts (2 of 4 stars). 4 submissions from 4 submitters: Likely benign (3). 1 of the submissions does not count toward it. Last evaluated 2025-02-16.

Conditions:
DDX53-related disorder. Also called: DDX53-related condition.

Allele frequency attached by ClinVar (database versions not stated): ESP Exome Variant Server 0.00009; gnomAD exomes 0.00023; ExAC 0.00025; gnomAD 0.00026; TOPMed 0.00029; 1000 Genomes Project 30x 0.00042; 1000 Genomes Project 0.00053.
gnomAD v4.1: 292 of 1,210,189 alleles (0.024%); highest among the groups gnomAD compares: Middle Eastern, 0.25%; 1 homozygote.

Submissions (4):

Laboratory of Genetics, Children's Clinical University Hospital Latvia
Classification: Likely benign. Last evaluated: 2025-02-16. Review status: criteria provided, single submitter. Criteria: ACMG Guidelines, 2015. Collection method: clinical testing. Allele origin: germline. Affected: yes.

CeGaT Center for Human Genetics Tuebingen
Classification: Likely benign. Last evaluated: 2022-07-01. Review status: criteria provided, single submitter. Criteria: CeGaT Center For Human Genetics Tuebingen Variant Classification Criteria Version 2. Collection method: clinical testing. Allele origin: germline. Affected: yes. Observed: 1 variant allele.
Comment: DDX53: BP4

Ambry Genetics
Classification: Likely benign. Last evaluated: 2022-05-18. Review status: criteria provided, single submitter. Criteria: Ambry Variant Classification Scheme 2023. Collection method: clinical testing. Allele origin: germline.

PreventionGenetics, part of Exact Sciences
Classification: Likely benign for DDX53-related condition. Last evaluated: 2021-04-19. Review status: no assertion criteria provided. Collection method: clinical testing. Allele origin: germline. Not counted in ClinVar's aggregate classification.
Comment: This variant is classified as likely benign based on ACMG/AMP sequence variant interpretation guidelines (Richards et al. 2015 PMID: 25741868, with internal and published modifications).

NM_182699.4(DDX53):c.400A>G (p.Ile134Val)

Genes: DDX53 (DEAD-box helicase 53; plus strand), PTCHD1-AS (PTCHD1 and PHEX antisense RNA; minus strand). Cytogenetic location: Xp22.11.
Variant type: single nucleotide variant.
Coding change: c.400A>G on transcript NM_182699.4 (MANE Select); coding-DNA position 400, A replaced by G.
Protein change: p.Ile134Val; replaces isoleucine 134 with valine.
Molecular consequence: missense variant.
Genome position (GRCh38, 1-based): chrX:23,000,457, A>G. VCF-style: chrX-23000457-A-G. GRCh37 (hg19) VCF-style: chrX-23018574-A-G.
Other names: short protein forms I134V.
Identifiers: ClinVar variation 2204382 (VCV002204382.28), dbSNP rs149084464, ClinGen allele CA10368738.
Genomic context (GRCh38, chrX:23,000,457, plus strand): 5'-AGAAAACAAGAAAGCTACAACTCAGAATCCAGTGTGGATAATGCTGCATCCCAAACCCCT[A>G]TTGGAAGAAATCTAGGCAGAAATGACATTGTTGGAGAAGCTGAGCCATTGTCAAATTGGG-3'
Protein context (NP_874358.2, residues 124-144): SVDNAASQTP[Ile134Val]GRNLGRNDIV